The following is an entry in ClinVar:

NM_020297.4(ABCC9):c.1529G>A (p.Trp510Ter)

Gene: ABCC9 (ATP binding cassette subfamily C member 9; minus strand). Cytogenetic location: 12p12.1.
Variant type: single nucleotide variant.
Coding change: c.1529G>A on transcript NM_020297.4 (MANE Select); coding-DNA position 1529, G replaced by A.
Protein change: p.Trp510Ter; replaces tryptophan 510 with a stop codon.
Molecular consequence: nonsense.
Genome position (GRCh38, 1-based): chr12:21,906,215, C>T on the plus strand (G>A on the coding strand, the complement: ABCC9 is on the minus strand). VCF-style: chr12-21906215-C-T. GRCh37 (hg19) VCF-style: chr12-22059149-C-T.
Other names: c.1529G>A, p.Trp510Ter (NM_001377273.1, NM_005691.4); c.665G>A, p.Trp222Ter (NM_001377274.1); short protein forms W222*, W510*.
Identifiers: ClinVar variation 3627317 (VCV003627317.2).

ClinVar aggregate classification (germline): Pathogenic (1 of 4 stars; one submission).

Conditions:
Dilated cardiomyopathy 1O (CMD1O). Also called: CARDIOMYOPATHY, DILATED, WITH VENTRICULAR TACHYCARDIA. Identifiers: Orphanet 154, MedGen C1837839, MONDO:0012062, OMIM 608569.

gnomAD v4.1: 4 of 1,613,028 alleles (0.00025%); highest among the groups gnomAD compares: Non-Finnish European, 0.00025%; no homozygotes.

Submission:

Labcorp Genetics (formerly Invitae), Labcorp
Classification: Pathogenic for Dilated cardiomyopathy 1O. Last evaluated: 2024-08-19. Review status: criteria provided, single submitter. Criteria: Invitae Variant Classification Sherloc (09022015). Collection method: clinical testing. Allele origin: germline.
Comment: This sequence change creates a premature translational stop signal (p.Trp510*) in the ABCC9 gene. It is expected to result in an absent or disrupted protein product. Loss-of-function variants in ABCC9 are known to be pathogenic (PMID: 31575858, 38217872). This variant is present in population databases (rs766936591, gnomAD 0.0009%). This variant has not been reported in the literature in individuals affected with ABCC9-related conditions. Algorithms developed to predict the effect of sequence changes on RNA splicing suggest that this variant may disrupt the consensus splice site. For these reasons, this variant has been classified as Pathogenic.

Literature cited by the submitters: PubMed 31575858; PubMed 38217872.